The following is an entry in ClinVar:

NM_138694.4(PKHD1):c.10940A>C (p.His3647Pro)

Gene: PKHD1 (PKHD1 ciliary IPT domain containing fibrocystin/polyductin; minus strand). Cytogenetic location: 6p12.3.
Variant type: single nucleotide variant.
Coding change: c.10940A>C on transcript NM_138694.4 (MANE Select); coding-DNA position 10940, A replaced by C.
Protein change: p.His3647Pro; replaces histidine 3647 with proline.
Molecular consequence: missense variant.
Genome position (GRCh38, 1-based): chr6:51,659,186, T>G on the plus strand (A>C on the coding strand, the complement: PKHD1 is on the minus strand). VCF-style: chr6-51659186-T-G. GRCh37 (hg19) VCF-style: chr6-51523984-T-G.
Other names: p.His3647Pro; c.10940A>C (NM_138694.3); short protein forms H3647P.
Identifiers: ClinVar variation 501330 (VCV000501330.13), dbSNP rs139442289, ClinGen allele CA3850985.

ClinVar aggregate classification (germline): Uncertain significance. Review status: criteria provided, multiple submitters, no conflicts (2 of 4 stars). 6 submissions from 6 submitters: Uncertain significance (6). Last evaluated 2025-06-12.

Conditions:
Polycystic kidney disease 4 (PKD4). Also called: POLYCYSTIC KIDNEY AND HEPATIC DISEASE 1; POLYCYSTIC KIDNEY DISEASE, INFANTILE, TYPE I; PKD3; POLYCYSTIC KIDNEY DISEASE 4 WITH OR WITHOUT POLYCYSTIC LIVER DISEASE; Autosomal Recessive Polycystic Kidney Disease – PKHD1. Identifiers: MedGen C4540575, MONDO:0033004, OMIM 263200.
Inborn genetic diseases. Identifiers: MedGen C0950123, MeSH D030342.
PKHD1-related disorder. Also called: PKHD1-related condition.

Allele frequency attached by ClinVar (database versions not stated): gnomAD 0.00006; TOPMed 0.00009; ESP Exome Variant Server 0.00015; 1000 Genomes Project 0.00020; 1000 Genomes Project 30x 0.00031.
gnomAD v4.1: 30 of 1,613,794 alleles (0.0019%); highest among the groups gnomAD compares: African/African-American, 0.033%; no homozygotes.

Submissions (6):

PreventionGenetics, part of Exact Sciences
Classification: Uncertain significance for PKHD1-related condition. Last evaluated: 2025-06-12. Review status: criteria provided, single submitter. Criteria: ACMG Guidelines, 2015. Collection method: clinical testing. Allele origin: germline.
Comment: The PKHD1 c.10940A>C variant is predicted to result in the amino acid substitution p.His3647Pro. To our knowledge, this variant has not been reported in the literature. This variant is reported in 0.016% of alleles in individuals of African descent in gnomAD. At this time, the clinical significance of this variant is uncertain due to the absence of conclusive functional and genetic evidence.

Ambry Genetics
Classification: Uncertain significance for Inborn genetic diseases. Last evaluated: 2025-05-05. Review status: criteria provided, single submitter. Criteria: Ambry Variant Classification Scheme 2023. Collection method: clinical testing. Allele origin: germline.

Mayo Clinic Laboratories, Mayo Clinic
Classification: Uncertain significance. Last evaluated: 2025-01-01. Review status: criteria provided, single submitter. Criteria: ACMG Guidelines, 2015. Collection method: clinical testing. Allele origin: germline. Observed: 1 variant allele.
Comment: BP4, PM2_supporting

Fulgent Genetics
Classification: Uncertain significance for Polycystic kidney disease 4. Last evaluated: 2024-06-19. Review status: criteria provided, single submitter. Criteria: ACMG Guidelines, 2015. Collection method: clinical testing. Allele origin: germline.

Eurofins Ntd Llc (ga)
Classification: Uncertain significance. Last evaluated: 2018-03-06. Review status: criteria provided, single submitter. Criteria: EGL ClinVar v180209 classification definitions. Collection method: clinical testing. Allele origin: germline. Observed: 2 variant alleles, 2 heterozygotes.

Breakthrough Genomics
Classification: Uncertain significance. Review status: criteria provided, single submitter. Criteria: ACMG Guidelines, 2015. Collection method: not provided. Allele origin: germline. Inheritance: Autosomal recessive inheritance. Affected: yes.